The following is an entry in ClinVar:

ClinVar aggregate classification (germline): Benign/Likely benign. Review status: criteria provided, multiple submitters, no conflicts (2 of 4 stars). 7 submissions from 7 submitters: Benign (2); Likely benign (5). Last evaluated 2026-03-01.

Conditions:
Nemaline myopathy 8 (NEM8). Also called: Nemaline myopathy 8, autosomal recessive. Identifiers: Orphanet 171430, MedGen C3809209, MONDO:0014138, OMIM 615348.

Allele frequency attached by ClinVar (database versions not stated): 1000 Genomes Project 0.00040; 1000 Genomes Project 30x 0.00047; TOPMed 0.00055; ESP Exome Variant Server 0.00063; gnomAD 0.00072 and 0.00073; gnomAD exomes 0.00103; ExAC 0.00176.
gnomAD v4.1: 1,094 of 1,557,172 alleles (0.07%); highest among the groups gnomAD compares: Middle Eastern, 0.26%; 6 homozygotes.

Submissions (7):

CeGaT Center for Human Genetics Tuebingen
Classification: Likely benign. Last evaluated: 2026-03-01. Review status: criteria provided, single submitter. Criteria: CeGaT Center For Human Genetics Tuebingen Variant Classification Criteria Version 2. Collection method: clinical testing. Allele origin: germline. Affected: yes. Observed: 5 variant alleles.
Comment: KLHL40: BP4, BP7

Labcorp Genetics (formerly Invitae), Labcorp
Classification: Benign for Nemaline myopathy 8. Last evaluated: 2026-01-12. Review status: criteria provided, single submitter. Criteria: Invitae Variant Classification Sherloc (09022015). Collection method: clinical testing. Allele origin: germline.

Blueprint Genetics
Classification: Likely benign. Last evaluated: 2024-11-25. Review status: criteria provided, single submitter. Criteria: ACMG Guidelines, 2015. Collection method: clinical testing. Allele origin: germline.

Athena Diagnostics
Classification: Benign. Last evaluated: 2024-01-31. Review status: criteria provided, single submitter. Criteria: Athena Diagnostics Criteria. Collection method: clinical testing. Allele origin: unknown.

GeneDx
Classification: Likely benign. Last evaluated: 2019-10-02. Review status: criteria provided, single submitter. Criteria: GeneDx Variant Classification Process June 2021. Collection method: clinical testing. Allele origin: germline. Affected: yes.

Breakthrough Genomics
Classification: Likely benign. Review status: criteria provided, single submitter. Criteria: ACMG Guidelines, 2015. Collection method: not provided. Allele origin: germline. Inheritance: Autosomal recessive inheritance. Affected: yes.

PreventionGenetics, part of Exact Sciences
Classification: Likely benign. Review status: criteria provided, single submitter. Criteria: ACMG Guidelines, 2015. Collection method: clinical testing. Allele origin: germline.

NM_152393.4(KLHL40):c.648G>T (p.Ala216=)

Gene: KLHL40 (kelch like family member 40; plus strand). Cytogenetic location: 3p22.1.
Variant type: single nucleotide variant.
Coding change: c.648G>T on transcript NM_152393.4 (MANE Select); coding-DNA position 648, G replaced by T.
Protein change: p.Ala216=; no amino-acid change (alanine 216 retained).
Molecular consequence: synonymous variant.
Genome position (GRCh38, 1-based): chr3:42,686,266, G>T. VCF-style: chr3-42686266-G-T. GRCh37 (hg19) VCF-style: chr3-42727758-G-T.
Identifiers: ClinVar variation 262645 (VCV000262645.50), dbSNP rs200613578, ClinGen allele CA2336707.
Genomic context (GRCh38, chr3:42,686,266, plus strand): 5'-GGCGGTGATGCGGTGGGCGGGTAGCGGCGACGCCGAGGCGCAGGCTGAGCGCCAGCGCGC[G>T]CTGCCCACCGTCTTCGAGAGCGTGCGCTGCCGCTTGCTGCCGCGCGCCTTTCTGGAAAGC-3'
Protein context (NP_689606.2, residues 206-226): DAEAQAERQR[Ala216=]LPTVFESVRC